The following is an entry in ClinVar:

NM_001005273.3(CHD3):c.2344-3C>T

Gene: CHD3 (chromodomain helicase DNA binding protein 3; plus strand). Cytogenetic location: 17p13.1.
Variant type: single nucleotide variant.
Coding change: c.2344-3C>T on transcript NM_001005273.3 (MANE Select); 3 bases into the intron before coding-DNA position 2344, C replaced by T.
Molecular consequence: intron variant.
Genome position (GRCh38, 1-based): chr17:7,899,340, C>T. VCF-style: chr17-7899340-C-T. GRCh37 (hg19) VCF-style: chr17-7802658-C-T.
Other names: NC_000017.10:g.7802658C>T; c.2521-3C>T (NM_001005271.3); c.2344-3C>T (NM_005852.4).
Identifiers: ClinVar variation 3041931 (VCV003041931.21), dbSNP rs200287864, ClinGen allele CA8362877.
Genomic context (GRCh38, chr17:7,899,340, plus strand): 5'-GCAGAGGACTAGGGTATACGGCCTCTAGCCTAGACTTATGCTGCCCCCATTCTTGACTCC[C>T]AGGGCCACACAAAAGGTCCCTTCCTGGTGAGTGCCCCACTCTCTACCATCATTAACTGGG-3'

ClinVar aggregate classification (germline): Likely benign. Review status: criteria provided, multiple submitters, no conflicts (2 of 4 stars). 3 submissions from 3 submitters: Likely benign (2). 1 of the submissions does not count toward it. Last evaluated 2026-09-01.

Conditions:
CHD3-related disorder. Also called: CHD3-related condition.

Allele frequency attached by ClinVar (database versions not stated): 1000 Genomes Project 0.00060; ESP Exome Variant Server 0.00062; ExAC 0.00073; gnomAD 0.00076; TOPMed 0.00076; 1000 Genomes Project 30x 0.00078; gnomAD exomes 0.00092.
gnomAD v4.1: 1,438 of 1,614,008 alleles (0.089%); highest among the groups gnomAD compares: Admixed American, 0.12%; 3 homozygotes.

Submissions (4):

CeGaT Center for Human Genetics Tuebingen
Classification: Likely benign. Last evaluated: 2026-09-01. Review status: criteria provided, single submitter. Criteria: CeGaT Center For Human Genetics Tuebingen Variant Classification Criteria Version 2. Collection method: clinical testing. Allele origin: germline. Affected: yes. Observed: 3 variant alleles.
Comment: CHD3: BP4, BS1

Blueprint Genetics
Classification: Likely benign. Last evaluated: 2024-11-25. Review status: criteria provided, single submitter. Criteria: ACMG Guidelines, 2015. Collection method: clinical testing. Allele origin: germline.

PreventionGenetics, part of Exact Sciences
Classification: Likely benign for CHD3-related condition. Last evaluated: 2019-06-21. Review status: no assertion criteria provided. Collection method: clinical testing. Allele origin: germline. Not counted in ClinVar's aggregate classification.
Comment: This variant is classified as likely benign based on ACMG/AMP sequence variant interpretation guidelines (Richards et al. 2015 PMID: 25741868, with internal and published modifications).

Dr. Peter K. Rogan Lab, Western University
No classification provided (evidence only). Condition: Familial cancer of breast. Review status: no classification provided. Collection method: in vitro. Allele origin: not applicable. Functional consequence: retained intron. Not counted in ClinVar's aggregate classification.